The following is an entry in ClinVar:

ClinVar aggregate classification (germline): Uncertain significance (1 of 4 stars; one submission).

Conditions:
Cardiovascular phenotype. Identifiers: MedGen CN230736.

Submission:

Ambry Genetics
Classification: Uncertain significance for Cardiovascular phenotype. Last evaluated: 2025-06-16. Review status: criteria provided, single submitter. Criteria: Ambry Variant Classification Scheme 2023. Collection method: clinical testing. Allele origin: germline.
Comment: The p.R1067G variant (also known as c.3199C>G), located in coding exon 21 of the TRPM4 gene, results from a C to G substitution at nucleotide position 3199. The arginine at codon 1067 is replaced by glycine, an amino acid with dissimilar properties. This amino acid position is conserved. In addition, this alteration is predicted to be tolerated by in silico analysis. Based on the available evidence, the clinical significance of this variant remains unclear.

NM_017636.4(TRPM4):c.3199C>G (p.Arg1067Gly)

Gene: TRPM4 (transient receptor potential cation channel subfamily M member 4; plus strand). Cytogenetic location: 19q13.33.
Variant type: single nucleotide variant.
Coding change: c.3199C>G on transcript NM_017636.4 (MANE Select); coding-DNA position 3199, C replaced by G.
Protein change: p.Arg1067Gly; replaces arginine 1067 with glycine.
Molecular consequence: missense variant.
Genome position (GRCh38, 1-based): chr19:49,210,276, C>G. VCF-style: chr19-49210276-C-G. GRCh37 (hg19) VCF-style: chr19-49713533-C-G.
Other names: c.2764C>G, p.Arg922Gly (NM_001195227.2); c.2854C>G, p.Arg952Gly (NM_001321281.2); c.1591C>G, p.Arg531Gly (NM_001321282.2); c.2677C>G, p.Arg893Gly (NM_001321283.2); c.2137C>G, p.Arg713Gly (NM_001321285.2); short protein forms R531G, R893G, R1067G, R922G, R952G, R713G.
Identifiers: ClinVar variation 4191749 (VCV004191749.1).